The following is an entry in ClinVar:

NM_002693.3(POLG):c.1434-18dup

Gene: POLG (DNA polymerase gamma, catalytic subunit; minus strand). Cytogenetic location: 15q26.1.
Variant type: Duplication.
Coding change: c.1434-18dup on transcript NM_002693.3 (MANE Select); 18 bases into the intron before coding-DNA position 1434, one base duplicated (A; older notation c.1434-18dupA).
Molecular consequence: intron variant.
Genome position (GRCh38, 1-based): chr15:89,327,081, T duplicated on the plus strand (A on the coding strand, the reverse complement: POLG is on the minus strand). VCF-style (leftmost placement, unchanged base first): chr15-89327080-C-CT. GRCh37 (hg19) VCF-style: chr15-89870311-C-CT.
Other names: c.1434-18dupA (NM_002693.2); c.1434-18dup (NM_001126131.2).
Identifiers: ClinVar variation 421522 (VCV000421522.6), dbSNP rs1064795188, ClinGen allele CA16620024.

ClinVar aggregate classification (germline): Likely benign. Review status: criteria provided, multiple submitters, no conflicts (2 of 4 stars). 2 submissions from 2 submitters: Likely benign (2). Last evaluated 2023-12-11.

Conditions:
Progressive sclerosing poliodystrophy (MTDPS4A). Also called: Mitochondrial DNA depletion syndrome 4A (Alpers type); Alpers Syndrome; ALPERS DIFFUSE DEGENERATION OF CEREBRAL GRAY MATTER WITH HEPATIC CIRRHOSIS; Mitochondrial DNA Depletion Syndrome 4A; Alpers-Huttenlocher Syndrome (AHS); ALPERS PROGRESSIVE INFANTILE POLIODYSTROPHY. Identifiers: Orphanet 726, MedGen C0205710, MONDO:0008758, OMIM 203700.

Allele frequency attached by ClinVar (database versions not stated): TOPMed below 0.00001; gnomAD 0.00001 and 0.00002.

Submissions (2):

Labcorp Genetics (formerly Invitae), Labcorp
Classification: Likely benign for Progressive sclerosing poliodystrophy. Last evaluated: 2023-12-11. Review status: criteria provided, single submitter. Criteria: Invitae Variant Classification Sherloc (09022015). Collection method: clinical testing. Allele origin: germline.

GeneDx
Classification: Likely benign. Last evaluated: 2016-06-30. Review status: criteria provided, single submitter. Criteria: GeneDx Variant Classification (06012015). Collection method: clinical testing. Allele origin: germline. Affected: yes.
Comment: This variant is considered likely benign or benign based on one or more of the following criteria: it is a conservative change, it occurs at a poorly conserved position in the protein, it is predicted to be benign by multiple in silico algorithms, and/or has population frequency not consistent with disease.